The following is an entry in ClinVar:

NM_024312.5(GNPTAB):c.569A>T (p.Asp190Val)

Gene: GNPTAB (N-acetylglucosamine-1-phosphate transferase subunits alpha and beta; minus strand). Cytogenetic location: 12q23.2.
Variant type: single nucleotide variant.
Coding change: c.569A>T on transcript NM_024312.5 (MANE Select); coding-DNA position 569, A replaced by T.
Protein change: p.Asp190Val; replaces aspartic acid 190 with valine.
Molecular consequence: missense variant.
Genome position (GRCh38, 1-based): chr12:101,786,014, T>A on the plus strand (A>T on the coding strand, the complement: GNPTAB is on the minus strand). VCF-style: chr12-101786014-T-A. GRCh37 (hg19) VCF-style: chr12-102179792-T-A.
Other names: AY687932:c.569A>T; short protein forms D190V.
Identifiers: ClinVar variation 38431 (VCV000038431.17), dbSNP rs34946266, ClinGen allele CA343083.

ClinVar aggregate classification (germline): Pathogenic/Likely pathogenic. Review status: criteria provided, multiple submitters, no conflicts (2 of 4 stars). 5 submissions from 5 submitters: Pathogenic (2); Likely pathogenic (2). 1 of the submissions does not count toward it. Last evaluated 2025-02-28.

Conditions:
Mucolipidosis type II. Also called: Mucolipidosis II Alpha/Beta; ML II ALPHA/BETA; Mucolipidosis 2; ML 2; Inclusion cell disease; Leroy Disease. Identifiers: Orphanet 576, MedGen C2673377, MONDO:0009650, OMIM 252500.
Pseudo-Hurler polydystrophy. Also called: MUCOLIPIDOSIS IIIA; ML III; ML III ALPHA/BETA; Type III Mucolipidosis; ML IIIA; Mucolipidosis III Alpha/Beta. Identifiers: Orphanet 423461, Orphanet 577, MedGen C0033788, MONDO:0018931, OMIM 252600.
Mucopolysaccharidosis, MPS-III-A (MPS3A). Also called: SULFAMIDASE DEFICIENCY; Mucopolysaccharidosis type IIIA (Sanfilippo A); Mucopolysaccharidosis, type IIIA; HEPARAN SULFATE SULFATASE DEFICIENCY; SANFILIPPO SYNDROME A; MPS III A. Identifiers: Orphanet 581, Orphanet 79269, MedGen C0086647, MONDO:0009655, OMIM 252900.

gnomAD v4.1: 10 of 1,604,824 alleles (0.00062%); highest among the groups gnomAD compares: African/African-American, 0.0013%; no homozygotes.

Submissions (5):

Natera, Inc.
Classification: Pathogenic for Mucolipidosis type II. Last evaluated: 2025-02-28. Review status: criteria provided, single submitter. Criteria: Natera Variant Classification Schema (03/2026). Collection method: clinical testing. Allele origin: germline.
Comment: The c.569A>T variant in GNPTAB is a missense variant predicted to cause substitution of aspartic acid to valine at amino acid 190. This variant is rare in the general population with a frequency below the threshold expected for the associated phenotype(s). This variant has been observed in one or more individuals affected with the associated recessive disease, as either homozygous or compound heterozygous with a second variant (PMID: 19617216, 16465621, 34008892). This variant has been identified in one or more affected individual with a phenotype highly consistent with the associated gene (PMID: 19617216). Given the available evidence, this variant is classified as Pathogenic.

Fulgent Genetics
Classification: Likely pathogenic for Mucolipidosis type II; Pseudo-Hurler polydystrophy. Last evaluated: 2024-01-05. Review status: criteria provided, single submitter. Criteria: ACMG Guidelines, 2015. Collection method: clinical testing. Allele origin: germline.

Labcorp Genetics (formerly Invitae), Labcorp
Classification: Pathogenic for Pseudo-Hurler polydystrophy; Mucolipidosis type II. Last evaluated: 2023-10-03. Review status: criteria provided, single submitter. Criteria: Invitae Variant Classification Sherloc (09022015). Collection method: clinical testing. Allele origin: germline.
Comment: This sequence change replaces aspartic acid, which is acidic and polar, with valine, which is neutral and non-polar, at codon 190 of the GNPTAB protein (p.Asp190Val). This variant is present in population databases (rs34946266, gnomAD 0.0009%). This missense change has been observed in individual(s) with mucolipidoses (PMID: 16465621, 19617216). In at least one individual the data is consistent with being in trans (on the opposite chromosome) from a pathogenic variant. ClinVar contains an entry for this variant (Variation ID: 38431). An algorithm developed to predict the effect of missense changes on protein structure and function (PolyPhen-2) suggests that this variant is likely to be tolerated. Experimental studies have shown that this missense change does not substantially affect GNPTAB function (PMID: 16465621, 19617216). Algorithms developed to predict the effect of sequence changes on RNA splicing suggest that this variant may disrupt the consensus splice site. For these reasons, this variant has been classified as Pathogenic.

Laboratory of Medical Genetics, National & Kapodistrian University of Athens
Classification: Likely pathogenic for Mucolipidosis type II. Last evaluated: 2021-10-01. Review status: criteria provided, single submitter. Criteria: ACMG Guidelines, 2015. Collection method: clinical testing. Allele origin: maternal. Affected: yes.
Comment: PM2, PP2, PP3, PP4, PP5

GeneReviews
Classification: Pathogenic for Mucolipidosis III Alpha/Beta. Last evaluated: 2012-05-10. Review status: no assertion criteria provided. Collection method: curation. Allele origin: unknown. Not counted in ClinVar's aggregate classification.
ClinVar note: Converted during submission from pathologic to Pathogenic.

Literature cited by the submitters: PubMed 19617216 (cited by Natera, Inc. and Labcorp Genetics (formerly Invitae), Labcorp); PubMed 16465621 (cited by Natera, Inc. and Labcorp Genetics (formerly Invitae), Labcorp); PubMed 34008892 (cited by Natera, Inc. and Laboratory of Medical Genetics, National & Kapodistrian University of Athens).